The following is an entry in ClinVar:

ClinVar aggregate classification (germline): Uncertain significance. Review status: criteria provided, multiple submitters, no conflicts (2 of 4 stars). 4 submissions from 4 submitters: Uncertain significance (4). Last evaluated 2024-11-05.

Conditions:
Inborn genetic diseases. Identifiers: MedGen C0950123, MeSH D030342.
Autosomal recessive juvenile Parkinson disease 2. Also called: Parkinson disease autosomal recessive, early onset; Juvenile parkinsonism; Parkinsonism, early onset, with diurnal fluctuation; PARKINSON DISEASE, JUVENILE, AUTOSOMAL RECESSIVE; Parkinson disease, juvenile, type 2; PRKN-Related Early-Onset Parkinson Disease. Identifiers: Orphanet 2828, MedGen C1868675, MONDO:0010820, OMIM 600116.

Allele frequency attached by ClinVar (database versions not stated): ExAC 0.00002; gnomAD exomes 0.00002 and 0.00003; TOPMed 0.00002; gnomAD 0.00003.
gnomAD v4.1: 50 of 1,599,814 alleles (0.0031%); highest among the groups gnomAD compares: Non-Finnish European, 0.004%; no homozygotes.

Submissions (4):

GeneDx
Classification: Uncertain significance. Last evaluated: 2024-11-05. Review status: criteria provided, single submitter. Criteria: GeneDx Variant Classification Process June 2021. Collection method: clinical testing. Allele origin: germline. Affected: yes.
Comment: Not observed at significant frequency in large population cohorts (gnomAD); In silico analysis indicates that this missense variant does not alter protein structure/function; Has not been previously published as pathogenic or benign to our knowledge

Ambry Genetics
Classification: Uncertain significance for Inborn genetic diseases. Last evaluated: 2023-12-20. Review status: criteria provided, single submitter. Criteria: Ambry Variant Classification Scheme 2023. Collection method: clinical testing. Allele origin: germline.

Labcorp Genetics (formerly Invitae), Labcorp
Classification: Uncertain significance. Last evaluated: 2022-04-28. Review status: criteria provided, single submitter. Criteria: Invitae Variant Classification Sherloc (09022015). Collection method: clinical testing. Allele origin: germline.
Comment: This sequence change replaces serine, which is neutral and polar, with asparagine, which is neutral and polar, at codon 205 of the PRKN protein (p.Ser205Asn). This variant is present in population databases (rs200985148, gnomAD 0.004%). This variant has not been reported in the literature in individuals affected with PRKN-related conditions. ClinVar contains an entry for this variant (Variation ID: 907229). Advanced modeling of protein sequence and biophysical properties (such as structural, functional, and spatial information, amino acid conservation, physicochemical variation, residue mobility, and thermodynamic stability) performed at Invitae indicates that this missense variant is not expected to disrupt PRKN protein function. In summary, the available evidence is currently insufficient to determine the role of this variant in disease. Therefore, it has been classified as a Variant of Uncertain Significance.

Illumina Laboratory Services, Illumina
Classification: Uncertain significance for Autosomal recessive juvenile Parkinson disease 2. Last evaluated: 2018-01-13. Review status: criteria provided, single submitter. Criteria: ICSL Variant Classification Criteria 13 December 2019. Collection method: clinical testing. Allele origin: germline.

NM_004562.3(PRKN):c.614G>A (p.Ser205Asn)

Gene: PRKN (parkin RBR E3 ubiquitin protein ligase; minus strand). Cytogenetic location: 6q26.
Variant type: single nucleotide variant.
Coding change: c.614G>A on transcript NM_004562.3 (MANE Select); coding-DNA position 614, G replaced by A.
Protein change: p.Ser205Asn; replaces serine 205 with asparagine.
Molecular consequence: missense variant. On other transcripts: intron variant (2).
Genome position (GRCh38, 1-based): chr6:162,054,095, C>T on the plus strand (G>A on the coding strand, the complement: PRKN is on the minus strand). VCF-style: chr6-162054095-C-T. GRCh37 (hg19) VCF-style: chr6-162475127-C-T.
Other names: c.172-80678G>A (NM_013988.3); c.535-80678G>A (NM_013987.3); short protein forms S205N.
Identifiers: ClinVar variation 907229 (VCV000907229.7), dbSNP rs200985148, ClinGen allele CA4090302.